The following is an entry in ClinVar:

ClinVar aggregate classification (germline): Pathogenic. Review status: criteria provided, multiple submitters, no conflicts (2 of 4 stars). 2 submissions from 2 submitters: Pathogenic (2). Last evaluated 2025-03-25.

Conditions:
Hereditary cancer-predisposing syndrome. Also called: Tumor predisposition; Hereditary neoplastic syndrome; Neoplastic Syndromes, Hereditary; Hereditary Cancer Syndrome. Identifiers: Orphanet 140162, MedGen C0027672, MeSH D009386, MONDO:0015356.
Mitochondrial complex II deficiency, nuclear type 1. Also called: SUCCINATE CoQ REDUCTASE DEFICIENCY. Identifiers: Orphanet 3208, MedGen C5700310, MONDO:0100294, OMIM 252011.
Pheochromocytoma/paraganglioma syndrome 5. Also called: Paragangliomas 5; SDHA-Related Hereditary Paraganglioma-Pheochromocytoma Syndrome. Identifiers: Orphanet 29072, MedGen C3279992, MONDO:0013602, OMIM 614165.

Submissions (2):

Ambry Genetics
Classification: Pathogenic for Hereditary cancer-predisposing syndrome. Last evaluated: 2025-03-25. Review status: criteria provided, single submitter. Criteria: Ambry Variant Classification Scheme 2023. Collection method: clinical testing. Allele origin: germline.
Comment: The p.Q27* pathogenic mutation (also known as c.79C>T), located in coding exon 2 of the SDHA gene, results from a C to T substitution at nucleotide position 79. This changes the amino acid from a glutamine to a stop codon within coding exon 2. This variant is considered to be rare based on population cohorts in the Genome Aggregation Database (gnomAD). This alteration is expected to result in loss of function by premature protein truncation or nonsense-mediated mRNA decay. As such, this alteration is interpreted as a disease-causing mutation.

Labcorp Genetics (formerly Invitae), Labcorp
Classification: Pathogenic for Pheochromocytoma/paraganglioma syndrome 5; Mitochondrial complex II deficiency, nuclear type 1. Last evaluated: 2020-08-11. Review status: criteria provided, single submitter. Criteria: Invitae Variant Classification Sherloc (09022015). Collection method: clinical testing. Allele origin: germline.
Comment: For these reasons, this variant has been classified as Pathogenic. Loss-of-function variants in SDHA are known to be pathogenic (PMID: 22974104, 24781757). This variant has not been reported in the literature in individuals with SDHA-related conditions. This variant is not present in population databases (ExAC no frequency). This sequence change creates a premature translational stop signal (p.Gln27*) in the SDHA gene. It is expected to result in an absent or disrupted protein product.

Literature cited by the submitters: PubMed 22974104 (cited by Labcorp Genetics (formerly Invitae), Labcorp); PubMed 24781757 (cited by Labcorp Genetics (formerly Invitae), Labcorp).

NM_004168.4(SDHA):c.79C>T (p.Gln27Ter)

Gene: SDHA (succinate dehydrogenase complex flavoprotein subunit A; plus strand). Cytogenetic location: 5p15.33.
Variant type: single nucleotide variant.
Coding change: c.79C>T on transcript NM_004168.4 (MANE Select); coding-DNA position 79, C replaced by T.
Protein change: p.Gln27Ter; replaces glutamine 27 with a stop codon.
Molecular consequence: nonsense.
Genome position (GRCh38, 1-based): chr5:223,497, C>T. VCF-style: chr5-223497-C-T. GRCh37 (hg19) VCF-style: chr5-223612-C-T.
Other names: c.79C>T, p.Gln27Ter (NM_001294332.2, NM_001330758.2); short protein forms Q27*.
Identifiers: ClinVar variation 1072916 (VCV001072916.10), dbSNP rs1734829878, ClinGen allele CA359008093.
Genomic context (GRCh38, chr5:223,497, plus strand): 5'-CTTCAGGACACTAACCCTCTGGATCTGTGTCTTCTGTGTCTCCAGTGGCCAACAGTGTTG[C>T]AAACAGGAACCCGAGGTTTTCACTTCACTGTTGATGGGAACAAGAGGGCATCTGCTAAAG-3'